The following is an entry in ClinVar:

NM_001267550.2(TTN):c.58328C>G (p.Ala19443Gly)

Genes: TTN (titin; minus strand), TTN-AS1 (TTN antisense RNA 1; plus strand). Cytogenetic location: 2q31.2.
Variant type: single nucleotide variant.
Coding change: c.58328C>G on transcript NM_001267550.2 (MANE Select); coding-DNA position 58328, C replaced by G.
Protein change: p.Ala19443Gly; replaces alanine 19443 with glycine.
Molecular consequence: missense variant.
Genome position (GRCh38, 1-based): chr2:178,594,065, G>C on the plus strand (C>G on the coding strand, the complement: TTN is on the minus strand). VCF-style: chr2-178594065-G-C. GRCh37 (hg19) VCF-style: chr2-179458792-G-C.
Other names: c.53405C>G, p.Ala17802Gly (NM_001256850.1); c.31133C>G, p.Ala10378Gly (NM_003319.4); c.50624C>G, p.Ala16875Gly (NM_133378.4); c.31508C>G, p.Ala10503Gly (NM_133432.3); c.31709C>G, p.Ala10570Gly (NM_133437.4); short protein forms A10378G, A19443G, A10503G, A16875G, A10570G, A17802G.
Identifiers: ClinVar variation 519125 (VCV000519125.5), dbSNP rs1360001030, ClinGen allele CA349507438.

ClinVar aggregate classification (germline): Uncertain significance (1 of 4 stars; one submission).

Conditions:
Cardiovascular phenotype. Identifiers: MedGen CN230736.

Submission:

Ambry Genetics
Classification: Uncertain significance for Cardiovascular phenotype. Last evaluated: 2016-09-07. Review status: criteria provided, single submitter. Criteria: Ambry Variant Classification Scheme 2023. Collection method: clinical testing. Allele origin: germline.
Comment: The p.A10378G variant (also known as c.31133C>G), located in coding exon 124 of the TTN gene, results from a C to G substitution at nucleotide position 31133. The alanine at codon 10378 is replaced by glycine, an amino acid with similar properties, and is located in the A-band region of the N2-B isoform of the titin protein. This variant was not reported in population based cohorts in the following databases: Database of Single Nucleotide Polymorphisms (dbSNP), NHLBI Exome Sequencing Project (ESP), and 1000 Genomes Project. In the ESP, this variant was not observed in 6198 samples (12396 alleles) with coverage at this position. This amino acid position is poorly conserved in available vertebrate species. In addition, this alteration is predicted to be tolerated by in silico analysis. Since supporting evidence is limited at this time, the clinical significance of this alteration remains unclear.